The following is an entry in ClinVar:

NM_021628.3(ALOXE3):c.1685-3C>G

Gene: ALOXE3 (arachidonate epidermal lipoxygenase 3; minus strand). Cytogenetic location: 17p13.1.
Variant type: single nucleotide variant.
Coding change: c.1685-3C>G on transcript NM_021628.3 (MANE Select); 3 bases into the intron before coding-DNA position 1685, C replaced by G.
Molecular consequence: intron variant.
Genome position (GRCh38, 1-based): chr17:8,104,218, G>C on the plus strand (C>G on the coding strand, the complement: ALOXE3 is on the minus strand). VCF-style: chr17-8104218-G-C. GRCh37 (hg19) VCF-style: chr17-8007536-G-C.
Other names: c.2081-3C>G (NM_001165960.1); c.1682-3C>G (NM_001369446.1).
Identifiers: ClinVar variation 1926912 (VCV001926912.6), dbSNP rs373715601, ClinGen allele CA8367978.
Genomic context (GRCh38, chr17:8,104,218, plus strand): 5'-ATGATTGCAGTGAGGAACTTCACCATCTCTCCTGGGGTGCACAGCCGGCTTGGGAAACCT[G>C]GGTGTGGGGAGGAAGGGTAGAGGGTGTGGATGGAAGGTACTGGATTCCTAGGGCCAGCTC-3'

ClinVar aggregate classification (germline): Uncertain significance. Review status: criteria provided, multiple submitters, no conflicts (2 of 4 stars). 2 submissions from 2 submitters: Uncertain significance (2). Last evaluated 2023-07-04.

Allele frequency attached by ClinVar (database versions not stated): gnomAD 0.00002; gnomAD exomes 0.00002; TOPMed 0.00002; ExAC 0.00003; ESP Exome Variant Server 0.00008.
gnomAD v4.1: 29 of 1,612,490 alleles (0.0018%); highest among the groups gnomAD compares: Admixed American, 0.02%; no homozygotes.

Submissions (2):

Blueprint Genetics
Classification: Uncertain significance. Last evaluated: 2023-07-04. Review status: criteria provided, single submitter. Criteria: ACMG Guidelines, 2015. Collection method: clinical testing. Allele origin: germline.

Labcorp Genetics (formerly Invitae), Labcorp
Classification: Uncertain significance. Last evaluated: 2022-07-26. Review status: criteria provided, single submitter. Criteria: Invitae Variant Classification Sherloc (09022015). Collection method: clinical testing. Allele origin: germline.
Comment: In summary, the available evidence is currently insufficient to determine the role of this variant in disease. Therefore, it has been classified as a Variant of Uncertain Significance. Variants that disrupt the consensus splice site are a relatively common cause of aberrant splicing (PMID: 17576681, 9536098). Algorithms developed to predict the effect of sequence changes on RNA splicing suggest that this variant may disrupt the consensus splice site. This variant has not been reported in the literature in individuals affected with ALOXE3-related conditions. This variant is present in population databases (rs373715601, gnomAD 0.03%). This sequence change falls in intron 13 of the ALOXE3 gene. It does not directly change the encoded amino acid sequence of the ALOXE3 protein. It affects a nucleotide within the consensus splice site.

Literature cited by the submitters: PubMed 17576681 (cited by Labcorp Genetics (formerly Invitae), Labcorp); PubMed 9536098 (cited by Labcorp Genetics (formerly Invitae), Labcorp).